The following is an entry in ClinVar:

NM_182961.4(SYNE1):c.25119C>T (p.Tyr8373=)

Gene: SYNE1 (spectrin repeat containing nuclear envelope protein 1; minus strand). Cytogenetic location: 6q25.2.
Variant type: single nucleotide variant.
Coding change: c.25119C>T on transcript NM_182961.4 (MANE Select); coding-DNA position 25119, C replaced by T.
Protein change: p.Tyr8373=; no amino-acid change (tyrosine 8373 retained).
Molecular consequence: synonymous variant.
Genome position (GRCh38, 1-based): chr6:152,143,623, G>A on the plus strand (C>T on the coding strand, the complement: SYNE1 is on the minus strand). VCF-style: chr6-152143623-G-A. GRCh37 (hg19) VCF-style: chr6-152464758-G-A.
Other names: c.1725C>T, p.Tyr575= (NM_001347701.2); c.1653C>T, p.Tyr551= (NM_001347702.2); c.24975C>T, p.Tyr8325= (NM_033071.5).
Identifiers: ClinVar variation 1470465 (VCV001470465.8), dbSNP rs144685965, ClinGen allele CA4052950.
Genomic context (GRCh38, chr6:152,143,623, plus strand): 5'-TTCTTTGACACAGAACTGTGGTTTCGCACAGGTCGGAATCAGGATGGCCAGGATACTTAC[G>A]TAGCCTTTGTAGCTGGTGTCTAGCTCCGGCCCCGTGGGAGTTTTGCTGCGAATGATATTT-3'
Protein context (NP_892006.3, residues 8363-8383): GPELDTSYKG[Tyr8373=]MKLLGECSSS

ClinVar aggregate classification (germline): Uncertain significance (1 of 4 stars; one submission).

Conditions:
Autosomal recessive ataxia, Beauce type. Also called: SYNE1-Related Autosomal Recessive Cerebellar Ataxia; Spinocerebellar ataxia, autosomal recessive 8; ATAXIA, RECESSIVE, OF BEAUCE; SYNE1 Deficiency. Identifiers: Orphanet 88644, MedGen C1853116, MONDO:0012549, OMIM 610743.
Emery-Dreifuss muscular dystrophy 4, autosomal dominant (EDMD4). Also called: EMERY-DREIFUSS MUSCULAR DYSTROPHY 4 WITH VARIABLE FEATURES. Identifiers: Orphanet 261, MedGen C2751807, MONDO:0013071, OMIM 612998.

Allele frequency attached by ClinVar (database versions not stated): gnomAD exomes below 0.00001; TOPMed below 0.00001; ExAC 0.00001; gnomAD 0.00001; ESP Exome Variant Server 0.00008.
gnomAD v4.1: 5 of 1,614,034 alleles (0.00031%); highest among the groups gnomAD compares: African/African-American, 0.0013%; no homozygotes.

Submission:

Labcorp Genetics (formerly Invitae), Labcorp
Classification: Uncertain significance for Emery-Dreifuss muscular dystrophy 4, autosomal dominant; Autosomal recessive ataxia, Beauce type. Last evaluated: 2021-06-16. Review status: criteria provided, single submitter. Criteria: Invitae Variant Classification Sherloc (09022015). Collection method: clinical testing. Allele origin: germline.
Comment: This variant is present in population databases (rs144685965, ExAC 0.01%). This sequence change affects codon 8325 of the SYNE1 mRNA. It is a 'silent' change, meaning that it does not change the encoded amino acid sequence of the SYNE1 protein. In summary, the available evidence is currently insufficient to determine the role of this variant in disease. Therefore, it has been classified as a Variant of Uncertain Significance. Algorithms developed to predict the effect of sequence changes on RNA splicing suggest that this variant may disrupt the consensus splice site, but this prediction has not been confirmed by published transcriptional studies. This variant has not been reported in the literature in individuals with SYNE1-related conditions.